The following is an entry in ClinVar:

NM_001256627.2(BRSK2):c.1849+3G>A

Gene: BRSK2 (BR serine/threonine kinase 2; plus strand). Cytogenetic location: 11p15.5.
Variant type: single nucleotide variant.
Coding change: c.1849+3G>A on transcript NM_001256627.2 (MANE Select); 3 bases into the intron after coding-DNA position 1849, G replaced by A.
Molecular consequence: intron variant.
Genome position (GRCh38, 1-based): chr11:1,456,531, G>A. VCF-style: chr11-1456531-G-A. GRCh37 (hg19) VCF-style: chr11-1477761-G-A.
Other names: c.2281+3G>A (NM_001440665.1); c.1915+3G>A (NM_001440668.1, NM_001440670.1); c.2215+3G>A (NM_001440666.1); c.1849+3G>A (NM_001256629.2, NM_003957.4); c.1669+3G>A (NM_001440674.1, NM_001440669.1, NM_001440673.1 and 3 more transcripts); c.1735+3G>A (NM_001440671.1, NM_001440672.1); c.1987+3G>A (NM_001256630.1, NM_001440667.1).
Identifiers: ClinVar variation 4980383 (VCV004980383.1).

ClinVar aggregate classification (germline): Likely benign (1 of 4 stars; one submission).

Conditions:
BRSK2-related disorder. Also called: BRSK2-related condition; BRSK2-Related Disorders.

gnomAD v4.1: 138 of 1,590,446 alleles (0.0087%); highest among the groups gnomAD compares: Admixed American, 0.23%; no homozygotes.

Submission:

PreventionGenetics, part of Exact Sciences
Classification: Likely benign for BRSK2-related condition. Last evaluated: 2024-12-18. Review status: criteria provided, single submitter. Criteria: ACMG Guidelines, 2015. Collection method: clinical testing. Allele origin: germline.
Comment: This variant is classified as likely benign based on ACMG/AMP sequence variant interpretation guidelines (Richards et al. 2015 PMID: 25741868, with internal and published modifications).